The following is an entry in ClinVar:

NM_003002.4(SDHD):c.330_331insTTCTTTAGGGGCCTTCAGTAACAAGTT (p.Val111delinsPhePheArgGlyLeuGlnTer)

Gene: SDHD (succinate dehydrogenase complex subunit D; plus strand). Cytogenetic location: 11q23.1.
Variant type: Insertion.
Coding change: c.330_331insTTCTTTAGGGGCCTTCAGTAACAAGTT on transcript NM_003002.4 (MANE Select); coding-DNA positions 330 to 331, TTCTTTAGGGGCCTTCAGTAACAAGTT inserted.
Protein change: p.Val111delinsPhePheArgGlyLeuGlnTer.
Molecular consequence: nonsense. On other transcripts: inframe insertion (1), 3 prime UTR variant (1), non-coding transcript variant (1).
Genome position: GRCh38 VCF-style: chr11-112094813-G-GACAAGTTTTCTTTAGGGGCCTTCAGTA. GRCh37 (hg19) VCF-style: chr11-111965537-G-GACAAGTTTTCTTTAGGGGCCTTCAGTA.
Other names: c.185_186insTTCTTTAGGGGCCTTCAGTAACAAGTT, p.Lys61_Leu62insPheSerLeuGlyAlaPheSerAsnLys (NM_001276503.2); c.213_214insTTCTTTAGGGGCCTTCAGTAACAAGTT, p.Val72delinsPhePheArgGlyLeuGlnTer (NM_001276504.2); c.*28_*29insTTCTTTAGGGGCCTTCAGTAACAAGTT (NM_001276506.2).
Identifiers: ClinVar variation 3756949 (VCV003756949.2).
Genomic context (GRCh38, chr11:112,094,813, plus strand): 5'-CTAATTTCACTGTGGTTTTTTATTGATGTTATGATTTTTTCTTTTTCTTTAGGGGCCTTG[G>GACAAGTTTTCTTTAGGGGCCTTCAGTA]ACAAGTTGTTACTGACTATGTTCATGGGGATGCCTTGCAGAAAGCTGCCAAGGCAGGGCT-3'

ClinVar aggregate classification (germline): Pathogenic (1 of 4 stars; one submission).

Conditions:
Pheochromocytoma. Also called: MAX-Related Hereditary Paraganglioma-Pheochromocytoma Syndrome. Identifiers: Orphanet 29072, MedGen C0031511, MONDO:0008233, OMIM 171300, HP:0002666.
Carney-Stratakis syndrome. Also called: PARAGANGLIOMA AND GASTROINTESTINAL STROMAL TUMOR. Identifiers: Orphanet 97286, MedGen C1847319, MONDO:0011740, OMIM 606864.
Paragangliomas with sensorineural hearing loss. Identifiers: MedGen C1868633.
Cowden syndrome 3 (CWS3). Identifiers: Orphanet 201, MedGen CN166604, MONDO:0014045.

Submission:

Labcorp Genetics (formerly Invitae), Labcorp
Classification: Pathogenic for Carney-Stratakis syndrome; Paragangliomas with sensorineural hearing loss; Pheochromocytoma; Cowden syndrome 3. Last evaluated: 2024-06-24. Review status: criteria provided, single submitter. Criteria: Invitae Variant Classification Sherloc (09022015). Collection method: clinical testing. Allele origin: germline.
Comment: This sequence change creates a premature translational stop signal (p.Val110_Val111ins*6) in the SDHD gene. While this is not anticipated to result in nonsense mediated decay, it is expected to disrupt the last 48 amino acid(s) of the SDHD protein. This variant is not present in population databases (gnomAD no frequency). This variant has not been reported in the literature in individuals affected with SDHD-related conditions. This variant disrupts a region of the SDHD protein in which other variant(s) (p.Leu139Arg) have been determined to be pathogenic (PMID: 11391798, 21348866). This suggests that this is a clinically significant region of the protein, and that variants that disrupt it are likely to be disease-causing. For these reasons, this variant has been classified as Pathogenic.

Literature cited by the submitters: PubMed 11391798; PubMed 21348866.